The following is an entry in ClinVar:

ClinVar aggregate classification (germline): Conflicting classifications of pathogenicity. Review status: criteria provided, conflicting classifications (1 of 4 stars). 5 submissions from 5 submitters: Uncertain significance (2); Likely benign (3). Last evaluated 2026-01-25.

Conditions:
GATA5-related disorder. Also called: GATA5-related condition.

Allele frequency attached by ClinVar (database versions not stated): gnomAD exomes 0.00006; 1000 Genomes Project 0.00040; TOPMed 0.00054; gnomAD 0.00056 and 0.00057; 1000 Genomes Project 30x 0.00062.
gnomAD v4.1: 153 of 1,248,276 alleles (0.012%); highest among the groups gnomAD compares: African/African-American, 0.21%; no homozygotes.

Submissions (5):

Labcorp Genetics (formerly Invitae), Labcorp
Classification: Likely benign. Last evaluated: 2026-01-25. Review status: criteria provided, single submitter. Criteria: Invitae Variant Classification Sherloc (09022015). Collection method: clinical testing. Allele origin: germline.

Blueprint Genetics
Classification: Likely benign. Last evaluated: 2023-11-28. Review status: criteria provided, single submitter. Criteria: ACMG Guidelines, 2015. Collection method: clinical testing. Allele origin: germline.

PreventionGenetics, part of Exact Sciences
Classification: Uncertain significance for GATA5-related condition. Last evaluated: 2022-09-13. Review status: criteria provided, single submitter. Criteria: ACMG Guidelines, 2015. Collection method: clinical testing. Allele origin: germline.
Comment: The GATA5 c.287C>G variant is predicted to result in the amino acid substitution p.Ala96Gly. To our knowledge, this variant has not been reported in the literature. This variant is reported in 0.22% of alleles in individuals of African descent in gnomAD. At this time, the clinical significance of this variant is uncertain due to the absence of conclusive functional and genetic evidence.

Ambry Genetics
Classification: Uncertain significance. Last evaluated: 2021-07-09. Review status: criteria provided, single submitter. Criteria: Ambry Variant Classification Scheme 2023. Collection method: clinical testing. Allele origin: germline.

GeneDx
Classification: Likely benign. Last evaluated: 2021-02-02. Review status: criteria provided, single submitter. Criteria: GeneDx Variant Classification Process June 2021. Collection method: clinical testing. Allele origin: germline. Affected: yes.

NM_080473.5(GATA5):c.287C>G (p.Ala96Gly)

Gene: GATA5 (GATA binding protein 5; minus strand). Cytogenetic location: 20q13.33.
Variant type: single nucleotide variant.
Coding change: c.287C>G on transcript NM_080473.5 (MANE Select); coding-DNA position 287, C replaced by G.
Protein change: p.Ala96Gly; replaces alanine 96 with glycine.
Molecular consequence: missense variant.
Genome position (GRCh38, 1-based): chr20:62,475,235, G>C on the plus strand (C>G on the coding strand, the complement: GATA5 is on the minus strand). VCF-style: chr20-62475235-G-C. GRCh37 (hg19) VCF-style: chr20-61050291-G-C.
Other names: short protein forms A96G.
Identifiers: ClinVar variation 1201801 (VCV001201801.16), dbSNP rs113823160, ClinGen allele CA317288591.